The following is an entry in ClinVar:

NM_020975.6(RET):c.43_44insGGC (p.Leu14_Leu15insTrp)

Gene: RET (ret proto-oncogene; plus strand). Cytogenetic location: 10q11.21.
Variant type: Insertion.
Coding change: c.43_44insGGC on transcript NM_020975.6 (MANE Select); coding-DNA positions 43 to 44, GGC inserted.
Protein change: p.Leu14_Leu15insTrp.
Molecular consequence: inframe insertion. On other transcripts: inframe indel (41).
Genome position: GRCh38 VCF-style: chr10-43077301-T-TGGC. GRCh37 (hg19) VCF-style: chr10-43572749-T-TGGC.
Other names: c.43_44insGGC, p.Leu14_Leu15insTrp (NM_000323.2, NM_001406743.1, NM_001406744.1 and 38 more transcripts).
Identifiers: ClinVar variation 1388329 (VCV001388329.10), dbSNP rs2132498515, ClinGen allele CA2573145117.

ClinVar aggregate classification (germline): Uncertain significance. Review status: criteria provided, multiple submitters, no conflicts (2 of 4 stars). 2 submissions from 2 submitters: Uncertain significance (2). Last evaluated 2025-05-05.

Conditions:
Hereditary cancer-predisposing syndrome. Also called: Neoplastic Syndromes, Hereditary; Tumor predisposition; Hereditary neoplastic syndrome; Hereditary Cancer Syndrome. Identifiers: Orphanet 140162, MedGen C0027672, MeSH D009386, MONDO:0015356.
Multiple endocrine neoplasia, type 2 (MEN2). Identifiers: Orphanet 653, MedGen C4048306, MONDO:0019003. Disease mechanism: gain of function.

Submissions (2):

Labcorp Genetics (formerly Invitae), Labcorp
Classification: Uncertain significance for Multiple endocrine neoplasia, type 2. Last evaluated: 2025-05-05. Review status: criteria provided, single submitter. Criteria: Invitae Variant Classification Sherloc (09022015). Collection method: clinical testing. Allele origin: germline.
Comment: This variant, c.43_44insGGC, results in the insertion of 1 amino acid(s) of the RET protein (p.Leu14_Leu15insTrp), but otherwise preserves the integrity of the reading frame. This variant is not present in population databases (gnomAD no frequency). This variant has not been reported in the literature in individuals affected with RET-related conditions. ClinVar contains an entry for this variant (Variation ID: 1388329). Experimental studies and prediction algorithms are not available or were not evaluated, and the functional significance of this variant is currently unknown. In summary, the available evidence is currently insufficient to determine the role of this variant in disease. Therefore, it has been classified as a Variant of Uncertain Significance.

Ambry Genetics
Classification: Uncertain significance for Hereditary cancer-predisposing syndrome. Last evaluated: 2025-01-21. Review status: criteria provided, single submitter. Criteria: Ambry Variant Classification Scheme 2023. Collection method: clinical testing. Allele origin: germline.
Comment: The c.43_44insGGC variant (also known as p.L14_L15insW), located in coding exon 1 of the RET gene, results from an in-frame GGC insertion at nucleotide positions 43 to 44. This results in the insertion of an extra tryptophan residue between codons 14 and 15. This nucleotide region is generally well conserved in available vertebrate species. In addition, this alteration is predicted to be neutral by in silico analysis (Choi Y et al. PLoS ONE. 2012; 7(10):e46688). Based on the available evidence, the clinical significance of this variant remains unclear.